The following is an entry in ClinVar:

ClinVar aggregate classification (germline): Uncertain significance (1 of 4 stars; one submission).

Conditions:
Hereditary cancer-predisposing syndrome. Also called: Neoplastic Syndromes, Hereditary; Tumor predisposition; Hereditary neoplastic syndrome; Hereditary Cancer Syndrome. Identifiers: Orphanet 140162, MedGen C0027672, MeSH D009386, MONDO:0015356.

Submission:

Ambry Genetics
Classification: Uncertain significance for Hereditary cancer-predisposing syndrome. Last evaluated: 2024-05-09. Review status: criteria provided, single submitter. Criteria: Ambry Variant Classification Scheme 2023. Collection method: clinical testing. Allele origin: germline.
Comment: The p.E1253D variant (also known as c.3759A>T), located in coding exon 30 of the POLE gene, results from an A to T substitution at nucleotide position 3759. The glutamic acid at codon 1253 is replaced by aspartic acid, an amino acid with highly similar properties. This amino acid position is conserved. In addition, this alteration is predicted to be tolerated by in silico analysis. Based on the available evidence, the clinical significance of this variant remains unclear.

NM_006231.4(POLE):c.3759A>T (p.Glu1253Asp)

Gene: POLE (DNA polymerase epsilon, catalytic subunit; minus strand). Cytogenetic location: 12q24.33.
Variant type: single nucleotide variant.
Coding change: c.3759A>T on transcript NM_006231.4 (MANE Select); coding-DNA position 3759, A replaced by T.
Protein change: p.Glu1253Asp; replaces glutamic acid 1253 with aspartic acid.
Molecular consequence: missense variant.
Genome position (GRCh38, 1-based): chr12:132,649,713, T>A on the plus strand (A>T on the coding strand, the complement: POLE is on the minus strand). VCF-style: chr12-132649713-T-A. GRCh37 (hg19) VCF-style: chr12-133226299-T-A.
Other names: short protein forms E1253D.
Identifiers: ClinVar variation 3308411 (VCV003308411.1).